The following is an entry in ClinVar:

NM_017763.6(RNF43):c.376-16C>T

Gene: RNF43 (ring finger protein 43; minus strand). Cytogenetic location: 17q22.
Variant type: single nucleotide variant.
Coding change: c.376-16C>T on transcript NM_017763.6 (MANE Select); 16 bases into the intron before coding-DNA position 376, C replaced by T.
Molecular consequence: intron variant.
Genome position (GRCh38, 1-based): chr17:58,363,616, G>A on the plus strand (C>T on the coding strand, the complement: RNF43 is on the minus strand). VCF-style: chr17-58363616-G-A. GRCh37 (hg19) VCF-style: chr17-56440977-G-A.
Other names: c.376-16C>T (NM_001438822.1, NM_001305544.3, NM_001438820.1 and 1 more transcripts); c.-6-16C>T (NM_001305545.2, NM_001437987.1).
Identifiers: ClinVar variation 4875747 (VCV004875747.1).

ClinVar aggregate classification (germline): Likely benign (1 of 4 stars; one submission).

Conditions:
Sessile serrated polyposis cancer syndrome (SSPCS). Identifiers: Orphanet 157798, MedGen C4310714, MONDO:0014919, OMIM 617108.

Submission:

Myriad Genetics, Inc.
Classification: Likely benign for Sessile serrated polyposis cancer syndrome. Last evaluated: 2026-06-26. Review status: criteria provided, single submitter. Criteria: Myriad Autosomal Dominant, Autosomal Recessive and X-Linked Classification Criteria (2023). Collection method: clinical testing. Allele origin: unknown.
Comment: This variant is considered likely benign. This variant is intronic and is not expected to impact mRNA splicing.